The following is an entry in ClinVar:

NM_015178.3(RHOBTB2):c.926C>T (p.Ser309Leu)

Gene: RHOBTB2 (Rho related BTB domain containing 2; plus strand). Cytogenetic location: 8p21.3.
Variant type: single nucleotide variant.
Coding change: c.926C>T on transcript NM_015178.3 (MANE Select); coding-DNA position 926, C replaced by T.
Protein change: p.Ser309Leu; replaces serine 309 with leucine.
Molecular consequence: missense variant.
Genome position (GRCh38, 1-based): chr8:23,007,171, C>T. VCF-style: chr8-23007171-C-T. GRCh37 (hg19) VCF-style: chr8-22864684-C-T.
Other names: c.992C>T, p.Ser331Leu (NM_001160036.2); c.947C>T, p.Ser316Leu (NM_001160037.2); c.926C>T, p.Ser309Leu (NM_001374791.1); c.992C>T (NM_001160036.1); short protein forms S309L, S316L, S331L.
Identifiers: ClinVar variation 1672788 (VCV001672788.12), dbSNP rs112771785, ClinGen allele CA4672570.

ClinVar aggregate classification (germline): Likely benign. Review status: criteria provided, multiple submitters, no conflicts (2 of 4 stars). 4 submissions from 4 submitters: Likely benign (3). 1 of the submissions does not count toward it. Last evaluated 2026-01-12.

Conditions:
Inborn genetic diseases. Identifiers: MedGen C0950123, MeSH D030342.
RHOBTB2-related disorder. Also called: RHOBTB2-related condition.

Allele frequency attached by ClinVar (database versions not stated): gnomAD exomes 0.00010 and 0.00024; ExAC 0.00027; ESP Exome Variant Server 0.00085; TOPMed 0.00087; 1000 Genomes Project 30x 0.00094; gnomAD 0.00098 and 0.00101; 1000 Genomes Project 0.00100.

Submissions (4):

Labcorp Genetics (formerly Invitae), Labcorp
Classification: Likely benign. Last evaluated: 2026-01-12. Review status: criteria provided, single submitter. Criteria: Invitae Variant Classification Sherloc (09022015). Collection method: clinical testing. Allele origin: germline.

Blueprint Genetics
Classification: Likely benign. Last evaluated: 2024-04-02. Review status: criteria provided, single submitter. Criteria: ACMG Guidelines, 2015. Collection method: clinical testing. Allele origin: germline.

Ambry Genetics
Classification: Likely benign for Inborn genetic diseases. Last evaluated: 2021-07-09. Review status: criteria provided, single submitter. Criteria: Ambry Variant Classification Scheme 2023. Collection method: clinical testing. Allele origin: germline.

PreventionGenetics, part of Exact Sciences
Classification: Likely benign for RHOBTB2-related condition. Last evaluated: 2019-10-17. Review status: no assertion criteria provided. Collection method: clinical testing. Allele origin: germline. Not counted in ClinVar's aggregate classification.
Comment: This variant is classified as likely benign based on ACMG/AMP sequence variant interpretation guidelines (Richards et al. 2015 PMID: 25741868, with internal and published modifications).